The following is an entry in ClinVar:

NM_004385.5(VCAN):c.9550T>C (p.Phe3184Leu)

Genes: VCAN (versican; plus strand), VCAN-AS1 (VCAN antisense RNA 1; minus strand). Cytogenetic location: 5q14.3.
Variant type: single nucleotide variant.
Coding change: c.9550T>C on transcript NM_004385.5 (MANE Select); coding-DNA position 9550, T replaced by C.
Protein change: p.Phe3184Leu; replaces phenylalanine 3184 with leucine.
Molecular consequence: missense variant.
Genome position (GRCh38, 1-based): chr5:83,553,420, T>C. VCF-style: chr5-83553420-T-C. GRCh37 (hg19) VCF-style: chr5-82849239-T-C.
Other names: c.1327T>C, p.Phe443Leu (NM_001126336.3); c.6589T>C, p.Phe2197Leu (NM_001164097.2); c.4288T>C, p.Phe1430Leu (NM_001164098.2); short protein forms F3184L, F443L, F1430L, F2197L.
Identifiers: ClinVar variation 1974593 (VCV001974593.5), dbSNP rs2479154113, ClinGen allele CA360297373.

ClinVar aggregate classification (germline): Uncertain significance (1 of 4 stars; one submission).

Submission:

Labcorp Genetics (formerly Invitae), Labcorp
Classification: Uncertain significance. Last evaluated: 2022-07-21. Review status: criteria provided, single submitter. Criteria: Invitae Variant Classification Sherloc (09022015). Collection method: clinical testing. Allele origin: germline.
Comment: In summary, the available evidence is currently insufficient to determine the role of this variant in disease. Therefore, it has been classified as a Variant of Uncertain Significance. Algorithms developed to predict the effect of missense changes on protein structure and function are either unavailable or do not agree on the potential impact of this missense change (SIFT: "Deleterious"; PolyPhen-2: "Probably Damaging"; Align-GVGD: "Class C15"). This variant has not been reported in the literature in individuals affected with VCAN-related conditions. This variant is not present in population databases (gnomAD no frequency). This sequence change replaces phenylalanine, which is neutral and non-polar, with leucine, which is neutral and non-polar, at codon 3184 of the VCAN protein (p.Phe3184Leu).